The following is an entry in ClinVar:

ClinVar aggregate classification (germline): Pathogenic (1 of 4 stars; one submission).

Conditions:
Autosomal recessive nonsyndromic hearing loss 3. Also called: NEUROSENSORY NONSYNDROMIC RECESSIVE DEAFNESS 3. Identifiers: Orphanet 90636, MedGen C1838263, MONDO:0010860, OMIM 600316.

Submission:

Institute of Rare Diseases, West China Hospital, Sichuan University
Classification: Pathogenic for Autosomal recessive nonsyndromic hearing loss 3. Last evaluated: 2025-01-09. Review status: criteria provided, single submitter. Criteria: ClinGen HL ACMG Specifications v1. Collection method: research. Allele origin: germline. Affected: yes.
Comment: PVS1;PM3;PM2_Supporting

NM_016239.4(MYO15A):c.8049del (p.Tyr2684fs)

Gene: MYO15A (myosin XVA; plus strand). Cytogenetic location: 17p11.2.
Variant type: Deletion.
Coding change: c.8049del on transcript NM_016239.4 (MANE Select); coding-DNA position 8049, one base deleted (C; older notation c.8049delC).
Protein change: p.Tyr2684fs; shifts the reading frame from tyrosine 2684.
Molecular consequence: frameshift variant.
Genome position (GRCh38, 1-based): chr17:18,153,857, C deleted. VCF-style (leftmost placement, unchanged base first): chr17-18153856-GC-G. GRCh37 (hg19) VCF-style: chr17-18057170-GC-G.
Other names: short protein forms Y2684fs.
Identifiers: ClinVar variation 3601396 (VCV003601396.1).